The following is an entry in ClinVar:

NM_000350.3(ABCA4):c.1982T>G (p.Leu661Arg)

Gene: ABCA4 (ATP binding cassette subfamily A member 4; minus strand). Cytogenetic location: 1p22.1.
Variant type: single nucleotide variant.
Coding change: c.1982T>G on transcript NM_000350.3 (MANE Select); coding-DNA position 1982, T replaced by G.
Protein change: p.Leu661Arg; replaces leucine 661 with arginine.
Molecular consequence: missense variant.
Genome position (GRCh38, 1-based): chr1:94,060,715, A>C on the plus strand (T>G on the coding strand, the complement: ABCA4 is on the minus strand). VCF-style: chr1-94060715-A-C. GRCh37 (hg19) VCF-style: chr1-94526271-A-C.
Other names: c.1982T>G, p.Leu661Arg (NM_001425324.1); short protein forms L661R.
Identifiers: ClinVar variation 2202800 (VCV002202800.4), dbSNP rs2523833166, ClinGen allele CA341278799.

ClinVar aggregate classification (germline): Likely pathogenic (1 of 4 stars; one submission).

Submission:

Labcorp Genetics (formerly Invitae), Labcorp
Classification: Likely pathogenic. Last evaluated: 2024-10-16. Review status: criteria provided, single submitter. Criteria: Invitae Variant Classification Sherloc (09022015). Collection method: clinical testing. Allele origin: germline.
Comment: This sequence change replaces leucine, which is neutral and non-polar, with arginine, which is basic and polar, at codon 661 of the ABCA4 protein (p.Leu661Arg). This variant is not present in population databases (gnomAD no frequency). This missense change has been observed in individual(s) with ABCA4-related conditions (PMID: 26780318, 35120629). In at least one individual the data is consistent with being in trans (on the opposite chromosome) from a pathogenic variant. ClinVar contains an entry for this variant (Variation ID: 2202800). Invitae Evidence Modeling of protein sequence and biophysical properties (such as structural, functional, and spatial information, amino acid conservation, physicochemical variation, residue mobility, and thermodynamic stability) indicates that this missense variant is expected to disrupt ABCA4 protein function with a positive predictive value of 95%. Experimental studies have shown that this missense change affects ABCA4 function (PMID: 33375396). In summary, the currently available evidence indicates that the variant is pathogenic, but additional data are needed to prove that conclusively. Therefore, this variant has been classified as Likely Pathogenic.

Literature cited by the submitters: PubMed 26780318; PubMed 35120629; PubMed 33375396.